The following is an entry in ClinVar:

ClinVar aggregate classification (germline): Uncertain significance (1 of 4 stars; one submission).

Allele frequency attached by ClinVar (database versions not stated): ExAC 0.00002.
gnomAD v4.1: 9 of 1,613,706 alleles (0.00056%); highest among the groups gnomAD compares: Admixed American, 0.0067%; no homozygotes.

Submission:

Labcorp Genetics (formerly Invitae), Labcorp
Classification: Uncertain significance. Last evaluated: 2024-10-15. Review status: criteria provided, single submitter. Criteria: Invitae Variant Classification Sherloc (09022015). Collection method: clinical testing. Allele origin: germline.
Comment: This sequence change replaces aspartic acid, which is acidic and polar, with asparagine, which is neutral and polar, at codon 426 of the PDHX protein (p.Asp426Asn). This variant is present in population databases (rs762433166, gnomAD 0.01%). This variant has not been reported in the literature in individuals affected with PDHX-related conditions. ClinVar contains an entry for this variant (Variation ID: 2027389). Invitae Evidence Modeling of protein sequence and biophysical properties (such as structural, functional, and spatial information, amino acid conservation, physicochemical variation, residue mobility, and thermodynamic stability) indicates that this missense variant is not expected to disrupt PDHX protein function with a negative predictive value of 80%. In summary, the available evidence is currently insufficient to determine the role of this variant in disease. Therefore, it has been classified as a Variant of Uncertain Significance.

NM_003477.3(PDHX):c.1276G>A (p.Asp426Asn)

Gene: PDHX (pyruvate dehydrogenase complex component X; plus strand). Cytogenetic location: 11p13.
Variant type: single nucleotide variant.
Coding change: c.1276G>A on transcript NM_003477.3 (MANE Select); coding-DNA position 1276, G replaced by A.
Protein change: p.Asp426Asn; replaces aspartic acid 426 with asparagine.
Molecular consequence: missense variant.
Genome position (GRCh38, 1-based): chr11:34,994,942, G>A. VCF-style: chr11-34994942-G-A. GRCh37 (hg19) VCF-style: chr11-35016489-G-A.
Other names: c.1096G>A, p.Asp366Asn (NM_001135024.2); c.595G>A, p.Asp199Asn (NM_001166158.2); short protein forms D199N, D366N, D426N.
Identifiers: ClinVar variation 2027389 (VCV002027389.4), dbSNP rs762433166, ClinGen allele CA5946172.